The following is an entry in ClinVar:

ClinVar aggregate classification (germline): Uncertain significance (1 of 4 stars; one submission).

gnomAD v4.1: 6 of 1,614,190 alleles (0.00037%); highest among the groups gnomAD compares: Non-Finnish European, 0.00051%; no homozygotes.

Submission:

Labcorp Genetics (formerly Invitae), Labcorp
Classification: Uncertain significance. Last evaluated: 2024-03-19. Review status: criteria provided, single submitter. Criteria: Invitae Variant Classification Sherloc (09022015). Collection method: clinical testing. Allele origin: germline.
Comment: This sequence change replaces threonine, which is neutral and polar, with methionine, which is neutral and non-polar, at codon 186 of the PLXNA2 protein (p.Thr186Met). This variant is present in population databases (rs746379855, gnomAD 0.0009%). This variant has not been reported in the literature in individuals affected with PLXNA2-related conditions. Advanced modeling of protein sequence and biophysical properties (such as structural, functional, and spatial information, amino acid conservation, physicochemical variation, residue mobility, and thermodynamic stability) performed at Invitae indicates that this missense variant is expected to disrupt PLXNA2 protein function with a positive predictive value of 80%. In summary, the available evidence is currently insufficient to determine the role of this variant in disease. Therefore, it has been classified as a Variant of Uncertain Significance.

NM_025179.4(PLXNA2):c.557C>T (p.Thr186Met)

Gene: PLXNA2 (plexin A2; minus strand). Cytogenetic location: 1q32.2.
Variant type: single nucleotide variant.
Coding change: c.557C>T on transcript NM_025179.4 (MANE Select); coding-DNA position 557, C replaced by T.
Protein change: p.Thr186Met; replaces threonine 186 with methionine.
Molecular consequence: missense variant.
Genome position (GRCh38, 1-based): chr1:208,217,366, G>A on the plus strand (C>T on the coding strand, the complement: PLXNA2 is on the minus strand). VCF-style: chr1-208217366-G-A. GRCh37 (hg19) VCF-style: chr1-208390711-G-A.
Other names: short protein forms T186M.
Identifiers: ClinVar variation 3706451 (VCV003706451.2).
Genomic context (GRCh38, chr1:208,217,366, plus strand): 5'-TCTCGGGGCAGCTTCCGGCTGGACAGGGTCGGGAAGTAATCCTGCTTCCCATCCACAGCC[G>A]TGCCGATGAAGAGCTTGCCATCCTCACCCTCAGAGCGCACAATCACCCCGTACATGGTGC-3'
Protein context (NP_079455.3, residues 176-196): EGEDGKLFIG[Thr186Met]AVDGKQDYFP